The following is an entry in ClinVar:

ClinVar aggregate classification (germline): Pathogenic/Likely pathogenic. Review status: criteria provided, multiple submitters, no conflicts (2 of 4 stars). 2 submissions from 2 submitters: Pathogenic (1); Likely pathogenic (1). Last evaluated 2024-10-09.

Conditions:
Mosaic variegated aneuploidy syndrome 1 (MVA1). Also called: Warburton-Anyane-Yeboa syndrome. Identifiers: Orphanet 1052, MedGen C1850343, MONDO:0009759, OMIM 257300.

Allele frequency attached by ClinVar (database versions not stated): gnomAD 0.00003 and 0.00004; gnomAD exomes 0.00003 and 0.00008; ExAC 0.00005; TOPMed 0.00006.
gnomAD v4.1: 120 of 1,614,020 alleles (0.0074%); highest among the groups gnomAD compares: Non-Finnish European, 0.0098%; no homozygotes.

Submissions (2):

Labcorp Genetics (formerly Invitae), Labcorp
Classification: Pathogenic for Mosaic variegated aneuploidy syndrome 1. Last evaluated: 2024-10-09. Review status: criteria provided, single submitter. Criteria: Invitae Variant Classification Sherloc (09022015). Collection method: clinical testing. Allele origin: germline.
Comment: This sequence change creates a premature translational stop signal (p.Leu737*) in the BUB1B gene. It is expected to result in an absent or disrupted protein product. Loss-of-function variants in BUB1B are known to be pathogenic (PMID: 15475955, 21190457). The frequency data for this variant in the population databases is considered unreliable, as metrics indicate poor data quality at this position in the gnomAD database. This variant has not been reported in the literature in individuals affected with BUB1B-related conditions. ClinVar contains an entry for this variant (Variation ID: 533901). For these reasons, this variant has been classified as Pathogenic.

GeneDx
Classification: Likely pathogenic. Last evaluated: 2023-08-17. Review status: criteria provided, single submitter. Criteria: GeneDx Variant Classification Process June 2021. Collection method: clinical testing. Allele origin: germline. Affected: yes.
Comment: Nonsense variant predicted to result in protein truncation or nonsense mediated decay in a gene for which loss of function is a known mechanism of disease; This variant is associated with the following publications: (PMID: 27882345, 26689913, 32191290, 36451132, 34117267, 34308104, 29641532, 29625052)

Literature cited by the submitters: PubMed 15475955 (cited by Labcorp Genetics (formerly Invitae), Labcorp); PubMed 21190457 (cited by Labcorp Genetics (formerly Invitae), Labcorp).

NM_001211.6(BUB1B):c.2210T>G (p.Leu737Ter)

Gene: BUB1B (BUB1 mitotic checkpoint serine/threonine kinase B; plus strand). Cytogenetic location: 15q15.1.
Variant type: single nucleotide variant.
Coding change: c.2210T>G on transcript NM_001211.6 (MANE Select); coding-DNA position 2210, T replaced by G.
Protein change: p.Leu737Ter; replaces leucine 737 with a stop codon.
Molecular consequence: nonsense.
Genome position (GRCh38, 1-based): chr15:40,209,701, T>G. VCF-style: chr15-40209701-T-G. GRCh37 (hg19) VCF-style: chr15-40501902-T-G.
Other names: short protein forms L737*.
Identifiers: ClinVar variation 533901 (VCV000533901.9), dbSNP rs759242053, ClinGen allele CA7475986.